The following is an entry in ClinVar:

ClinVar aggregate classification (germline): Uncertain significance (1 of 4 stars; one submission).

Submission:

Labcorp Genetics (formerly Invitae), Labcorp
Classification: Uncertain significance. Last evaluated: 2025-07-31. Review status: criteria provided, single submitter. Criteria: Invitae Variant Classification Sherloc (09022015). Collection method: clinical testing. Allele origin: germline.
Comment: This sequence change replaces glutamic acid, which is acidic and polar, with valine, which is neutral and non-polar, at codon 1604 of the POLE protein (p.Glu1604Val). This variant is not present in population databases (gnomAD no frequency). This variant has not been reported in the literature in individuals affected with POLE-related conditions. ClinVar contains an entry for this variant (Variation ID: 1420826). Invitae Evidence Modeling of protein sequence and biophysical properties (such as structural, functional, and spatial information, amino acid conservation, physicochemical variation, residue mobility, and thermodynamic stability) indicates that this missense variant is not expected to disrupt POLE protein function with a negative predictive value of 80%. In summary, the available evidence is currently insufficient to determine the role of this variant in disease. Therefore, it has been classified as a Variant of Uncertain Significance.

NM_006231.4(POLE):c.4811A>T (p.Glu1604Val)

Gene: POLE (DNA polymerase epsilon, catalytic subunit; minus strand). Cytogenetic location: 12q24.33.
Variant type: single nucleotide variant.
Coding change: c.4811A>T on transcript NM_006231.4 (MANE Select); coding-DNA position 4811, A replaced by T.
Protein change: p.Glu1604Val; replaces glutamic acid 1604 with valine.
Molecular consequence: missense variant.
Genome position (GRCh38, 1-based): chr12:132,642,647, T>A on the plus strand (A>T on the coding strand, the complement: POLE is on the minus strand). VCF-style: chr12-132642647-T-A. GRCh37 (hg19) VCF-style: chr12-133219233-T-A.
Other names: short protein forms E1604V.
Identifiers: ClinVar variation 1420826 (VCV001420826.6), dbSNP rs2138535824, ClinGen allele CA387378316.